The following is an entry in ClinVar:

ClinVar aggregate classification (germline): Likely pathogenic (1 of 4 stars; one submission).

Conditions:
Coffin-Siris syndrome 11. Identifiers: MedGen C5241442, MONDO:0032912, OMIM 618779.

Submission:

Greenwood Genetic Center Diagnostic Laboratories, Greenwood Genetic Center
Classification: Likely pathogenic for Coffin-Siris syndrome 11. Last evaluated: 2024-11-06. Review status: criteria provided, single submitter. Criteria: ACMG Guidelines, 2015. Collection method: clinical testing. Allele origin: germline. Affected: yes.
Comment: PS2, PM2, PP2, PP3

NM_003076.5(SMARCD1):c.1271T>C (p.Ile424Thr)

Gene: SMARCD1 (SWI/SNF related BAF chromatin remodeling complex subunit D1; plus strand). Cytogenetic location: 12q13.12.
Variant type: single nucleotide variant.
Coding change: c.1271T>C on transcript NM_003076.5 (MANE Select); coding-DNA position 1271, T replaced by C.
Protein change: p.Ile424Thr; replaces isoleucine 424 with threonine.
Molecular consequence: missense variant. On other transcripts: intron variant (1).
Genome position (GRCh38, 1-based): chr12:50,096,851, T>C. VCF-style: chr12-50096851-T-C. GRCh37 (hg19) VCF-style: chr12-50490634-T-C.
Other names: c.1270-1863T>C (NM_139071.3); short protein forms I424T.
Identifiers: ClinVar variation 3765749 (VCV003765749.1).